The following is an entry in ClinVar:

ClinVar aggregate classification (germline): Benign. Review status: criteria provided, multiple submitters, no conflicts (2 of 4 stars). 3 submissions from 3 submitters: Benign (3). Last evaluated 2024-01-24.

Allele frequency attached by ClinVar (database versions not stated): 1000 Genomes Project 0.82847; gnomAD 0.86667 and 0.86155; 1000 Genomes Project 30x 0.83432; gnomAD exomes 0.83006; TOPMed 0.86560.
gnomAD v4.1: 961,963 of 1,152,614 alleles (83%); highest among the groups gnomAD compares: African/African-American, 95%; 402,369 homozygotes.

Submissions (4):

Unidad de Genómica Garrahan, Hospital de Pediatría Garrahan
Classification: Benign. Last evaluated: 2024-01-24. Review status: criteria provided, single submitter. Criteria: ACMG Guidelines, 2015. Collection method: clinical testing. Allele origin: germline. Affected: no. Observed: 60 variant alleles.
Comment: This variant is classified as Benign based on local population frequency. This variant was detected in 63% of patients studied by a panel of primary immunodeficiencies. Number of patients: 60. Only high quality variants are reported.

GeneDx
Classification: Benign. Last evaluated: 2019-08-10. Review status: criteria provided, single submitter. Criteria: GeneDx Variant Classification Process June 2021. Collection method: clinical testing. Allele origin: germline. Affected: yes.

Breakthrough Genomics
Classification: Benign. Review status: criteria provided, single submitter. Criteria: ACMG Guidelines, 2015. Collection method: not provided. Allele origin: germline. Inheritance: Autosomal recessive inheritance. Affected: yes.

Dr. Peter K. Rogan Lab, Western University
No classification provided (evidence only). Condition: Hepatocellular carcinoma. Review status: no classification provided. Collection method: in vitro. Allele origin: not applicable. Functional consequence: retained intron. Not counted in ClinVar's aggregate classification.

NM_000631.5(NCF4):c.627+88A>G

Gene: NCF4 (neutrophil cytosolic factor 4; plus strand). Cytogenetic location: 22q12.3.
Variant type: single nucleotide variant.
Coding change: c.627+88A>G on transcript NM_000631.5 (MANE Select); 88 bases into the intron after coding-DNA position 627, A replaced by G.
Molecular consequence: intron variant.
Genome position (GRCh38, 1-based): chr22:36,872,513, A>G. VCF-style: chr22-36872513-A-G. GRCh37 (hg19) VCF-style: chr22-37268555-A-G.
Other names: NC_000022.10:g.37268555A>G; c.627+88A>G (NM_013416.4).
Identifiers: ClinVar variation 1289546 (VCV001289546.6), dbSNP rs2072711, ClinGen allele CA323993447.
Genomic context (GRCh38, chr22:36,872,513, plus strand): 5'-AGATTGAAGGTGAGGTTGGAGGGAAATTAAAAGTGAAGATAGAGGTGAGGGTGGAAGTGC[A>G]ATTGGAGGTGAGGATGAAGGTGAGGGTGGAGGTGAGATTGGAGGTGAGGATGGAGGTAAG-3'